The following is an entry in ClinVar:

ClinVar aggregate classification (germline): Uncertain significance (1 of 4 stars; one submission).

Conditions:
Brugada syndrome 4 (BRGDA4). Identifiers: Orphanet 130, MedGen C2678477, MONDO:0012743, OMIM 611876.

gnomAD v4.1: 11 of 1,613,970 alleles (0.00068%); highest among the groups gnomAD compares: Non-Finnish European, 0.00085%; no homozygotes.

Submission:

Labcorp Genetics (formerly Invitae), Labcorp
Classification: Uncertain significance for Brugada syndrome 4. Last evaluated: 2020-05-05. Review status: criteria provided, single submitter. Criteria: Invitae Variant Classification Sherloc (09022015). Collection method: clinical testing. Allele origin: germline.
Comment: In summary, the available evidence is currently insufficient to determine the role of this variant in disease. Therefore, it has been classified as a Variant of Uncertain Significance. Algorithms developed to predict the effect of missense changes on protein structure and function output the following: SIFT: "Tolerated"; PolyPhen-2: "Benign"; Align-GVGD: "Class C0". The leucine amino acid residue is found in multiple mammalian species, suggesting that this missense change does not adversely affect protein function. These predictions have not been confirmed by published functional studies and their clinical significance is uncertain. This variant has not been reported in the literature in individuals with CACNB2-related disease. This variant is not present in population databases (ExAC no frequency). This sequence change replaces phenylalanine with leucine at codon 501 of the CACNB2 protein (p.Phe501Leu). The phenylalanine residue is moderately conserved and there is a small physicochemical difference between phenylalanine and leucine.

NM_201596.3(CACNB2):c.1663T>C (p.Phe555Leu)

Gene: CACNB2 (calcium voltage-gated channel auxiliary subunit beta 2; plus strand). Cytogenetic location: 10p12.31.
Variant type: single nucleotide variant.
Coding change: c.1663T>C on transcript NM_201596.3 (MANE Select); coding-DNA position 1663, T replaced by C.
Protein change: p.Phe555Leu; replaces phenylalanine 555 with leucine.
Molecular consequence: missense variant.
Genome position (GRCh38, 1-based): chr10:18,539,404, T>C. VCF-style: chr10-18539404-T-C. GRCh37 (hg19) VCF-style: chr10-18828333-T-C.
Other names: c.1498T>C, p.Phe500Leu (NM_000724.4); c.1465T>C, p.Phe489Leu (NM_001167945.2); c.1384T>C, p.Phe462Leu (NM_001330060.2); c.1519T>C, p.Phe507Leu (NM_201570.3); c.1579T>C, p.Phe527Leu (NM_201571.4); c.1507T>C, p.Phe503Leu (NM_201572.4); c.1501T>C, p.Phe501Leu (NM_201590.3); c.1549T>C, p.Phe517Leu (NM_201593.3); and 1 more; short protein forms F489L, F500L, F507L, F517L, F527L, F501L, F503L, F555L.
Identifiers: ClinVar variation 642210 (VCV000642210.8), dbSNP rs1589778402, ClinGen allele CA376071662.